The following is an entry in ClinVar:

ClinVar aggregate classification (germline): Uncertain significance (1 of 4 stars; one submission).

Submission:

Laboratory for Molecular Medicine, Mass General Brigham Personalized Medicine
Classification: Uncertain significance. Last evaluated: 2016-05-23. Review status: criteria provided, single submitter. Criteria: LMM Criteria. Collection method: clinical testing. Allele origin: germline. Observed: 1 variant allele.
Comment: The p.Ser94Arg variant in TIMM8A has not been previously reported in individuals with hearing loss or Mohr-Tranebjaerg syndrome or in large population studies. Computational prediction tools and conservation analysis do not provide strong s upport for or against an impact to the protein. In summary, the clinical signifi cance of the p.Ser94Arg variant is uncertain.

NM_004085.4(TIMM8A):c.282C>A (p.Ser94Arg)

Gene: TIMM8A (translocase of inner mitochondrial membrane 8A; minus strand). Cytogenetic location: Xq22.1.
Variant type: single nucleotide variant.
Coding change: c.282C>A on transcript NM_004085.4 (MANE Select); coding-DNA position 282, C replaced by A.
Protein change: p.Ser94Arg; replaces serine 94 with arginine.
Molecular consequence: missense variant. On other transcripts: 3 prime UTR variant (1).
Genome position (GRCh38, 1-based): chrX:101,346,511, G>T on the plus strand (C>A on the coding strand, the complement: TIMM8A is on the minus strand). VCF-style: chrX-101346511-G-T. GRCh37 (hg19) VCF-style: chrX-100601499-G-T.
Other names: c.*1876C>A (NM_001145951.2); short protein forms S94R.
Identifiers: ClinVar variation 505064 (VCV000505064.5), dbSNP rs1443740723, ClinGen allele CA413912554.